The following is an entry in ClinVar:

NM_001010867.4(IBA57):c.560G>A (p.Arg187His)

Gene: IBA57 (iron-sulfur cluster assembly factor IBA57; plus strand). Cytogenetic location: 1q42.13.
Variant type: single nucleotide variant.
Coding change: c.560G>A on transcript NM_001010867.4 (MANE Select); coding-DNA position 560, G replaced by A.
Protein change: p.Arg187His; replaces arginine 187 with histidine.
Molecular consequence: missense variant. On other transcripts: 5 prime UTR variant (1).
Genome position (GRCh38, 1-based): chr1:228,174,910, G>A. VCF-style: chr1-228174910-G-A. GRCh37 (hg19) VCF-style: chr1-228362611-G-A.
Other names: c.-20G>A (NM_001310327.2); c.560G>A (NM_001010867.3); short protein forms R187H.
Identifiers: ClinVar variation 2503947 (VCV002503947.1), dbSNP rs1180177324, ClinGen allele CA345113510.
Genomic context (GRCh38, chr1:228,174,910, plus strand): 5'-CTGAGGCCTGCGGGGCTGCATCGCTGCAGGAGAGGGCAGGGGCTGCCGCCATCCTCATCC[G>A]CGACCCGCGAACAGCACGCATGGGGTGGCGGCTCCTCACCCAGGATGAAGGCCCAGCCCT-3'
Protein context (NP_001010867.1, residues 177-197): ERAGAAAILI[Arg187His]DPRTARMGWR

ClinVar aggregate classification (germline): Uncertain significance (1 of 4 stars; one submission).

Submission:

Women's Health and Genetics/Laboratory Corporation of America, LabCorp
Classification: Uncertain significance. Last evaluated: 2023-04-05. Review status: criteria provided, single submitter. Criteria: LabCorp Variant Classification Summary - May 2015. Collection method: clinical testing. Allele origin: germline.
Comment: Variant summary: C1orf69 c.560G>A (p.Arg187His) results in a non-conservative amino acid change in the encoded protein sequence. Four of five in-silico tools predict a benign effect of the variant on protein function. The variant allele was found at a frequency of 4.2e-06 in 236850 control chromosomes (gnomAD). The available data on variant occurrences in the general population are insufficient to allow any conclusion about variant significance. To our knowledge, no occurrence of c.560G>A in individuals affected with C1orf69-Related Disorders and no experimental evidence demonstrating its impact on protein function have been reported. No clinical diagnostic laboratories have submitted clinical-significance assessments for this variant to ClinVar after 2014. Based on the evidence outlined above, the variant was classified as uncertain significance.